The following is an entry in ClinVar:

GRCh37/hg19 Xp22.12(chrX:19938254-20640014)x2

Genes: BCLAF3 (BCLAF1 and THRAP3 family member 3; minus strand), EIF1AX (eukaryotic translation initiation factor 1A X-linked; minus strand), MAP7D2 (MAP7 domain containing 2; minus strand), RPS6KA3 (ribosomal protein S6 kinase A3; minus strand). Cytogenetic location: Xp22.12.
Variant type: copy number gain.
Change: copy number 2 of chrX:19,938,254-20,640,014 (701.8 kb, GRCh37 coordinates, 1-based), cytogenetic band Xp22.12.
Identifiers: ClinVar variation 441778 (VCV000441778.2).

ClinVar aggregate classification (germline): conflicting data from submitters (0 of 4 stars; one submission).

Submission:

ISCA site 1
Classification: conflicting data from submitters. Last evaluated: 2016-02-01. Review status: no assertion criteria provided. Collection method: clinical testing. Allele origin: maternal, unknown. Affected: yes. Observed: 2 variant alleles.
Comment: Likely pathogenic(1), Uncertain significance(1)

Copy number variation identified through the course of routine clinical cytogenomic testing in postnatal populations, with clinical assertions as classified by the original submitter. For data from the original published study, Kaminsky, et al. 2011 (PubMed 21844811), please see nstd101.